The following is an entry in ClinVar:

ClinVar aggregate classification (germline): Conflicting classifications of pathogenicity. Review status: criteria provided, conflicting classifications (1 of 4 stars). 3 submissions from 3 submitters: Uncertain significance (1); Benign (1); Likely benign (1). Last evaluated 2025-02-20.

Conditions:
Emery-Dreifuss muscular dystrophy 5, autosomal dominant (EDMD5). Also called: EMERY-DREIFUSS MUSCULAR DYSTROPHY 5. Identifiers: Orphanet 261, MedGen C2751805, MONDO:0013072, OMIM 612999.

Allele frequency attached by ClinVar (database versions not stated): gnomAD 0.00004 and 0.00008; gnomAD exomes 0.00005 and 0.00015; TOPMed 0.00006; ExAC 0.00010.
gnomAD v4.1: 85 of 1,614,088 alleles (0.0053%); highest among the groups gnomAD compares: East Asian, 0.17%; no homozygotes.

Submissions (3):

Labcorp Genetics (formerly Invitae), Labcorp
Classification: Likely benign for Emery-Dreifuss muscular dystrophy 5, autosomal dominant. Last evaluated: 2025-02-20. Review status: criteria provided, single submitter. Criteria: Invitae Variant Classification Sherloc (09022015). Collection method: clinical testing. Allele origin: germline.

Ambry Genetics
Classification: Uncertain significance. Last evaluated: 2024-04-09. Review status: criteria provided, single submitter. Criteria: Ambry Variant Classification Scheme 2023. Collection method: clinical testing. Allele origin: germline.

Illumina Laboratory Services, Illumina
Classification: Benign for Emery-Dreifuss muscular dystrophy 5, autosomal dominant. Last evaluated: 2018-01-13. Review status: criteria provided, single submitter. Criteria: ICSL Variant Classification Criteria 13 December 2019. Collection method: clinical testing. Allele origin: germline.
Comment: This variant was observed in the ICSL laboratory as part of a predisposition screen in an ostensibly healthy population. It had not been previously curated by ICSL or reported in the Human Gene Mutation Database (HGMD: prior to June 1st, 2018), and was therefore a candidate for classification through an automated scoring system. Utilizing variant allele frequency, disease prevalence and penetrance estimates, and inheritance mode, an automated score was calculated to assess if this variant is too frequent to cause the disease. Based on the score and internal cut-off values, a variant classified as benign is not then subjected to further curation. The score for this variant resulted in a classification of benign for this disease.

NM_182914.3(SYNE2):c.5987T>C (p.Leu1996Ser)

Gene: SYNE2 (spectrin repeat containing nuclear envelope protein 2; plus strand). Cytogenetic location: 14q23.2.
Variant type: single nucleotide variant.
Coding change: c.5987T>C on transcript NM_182914.3 (MANE Select); coding-DNA position 5987, T replaced by C.
Protein change: p.Leu1996Ser; replaces leucine 1996 with serine.
Molecular consequence: missense variant.
Genome position (GRCh38, 1-based): chr14:64,025,156, T>C. VCF-style: chr14-64025156-T-C. GRCh37 (hg19) VCF-style: chr14-64491874-T-C.
Other names: c.5987T>C, p.Leu1996Ser (NM_015180.6); short protein forms L1996S.
Identifiers: ClinVar variation 313520 (VCV000313520.14), dbSNP rs780750526, ClinGen allele CA7220611.